The following is an entry in ClinVar:

NM_001854.4(COL11A1):c.2654C>T (p.Thr885Met)

Gene: COL11A1 (collagen type XI alpha 1 chain; minus strand). Cytogenetic location: 1p21.1.
Variant type: single nucleotide variant.
Coding change: c.2654C>T on transcript NM_001854.4 (MANE Select); coding-DNA position 2654, C replaced by T.
Protein change: p.Thr885Met; replaces threonine 885 with methionine.
Molecular consequence: missense variant. On other transcripts: non-coding transcript variant (1).
Genome position (GRCh38, 1-based): chr1:102,979,061, G>A on the plus strand (C>T on the coding strand, the complement: COL11A1 is on the minus strand). VCF-style: chr1-102979061-G-A. GRCh37 (hg19) VCF-style: chr1-103444617-G-A.
Other names: c.2654C>T (NM_001854.3); c.2537C>T, p.Thr846Met (NM_001190709.2); c.2690C>T, p.Thr897Met (NM_080629.3); c.2306C>T, p.Thr769Met (NM_080630.4); short protein forms T897M, T846M, T885M, T769M.
Identifiers: ClinVar variation 1448483 (VCV001448483.10), dbSNP rs550201657, ClinGen allele CA974346.

ClinVar aggregate classification (germline): Uncertain significance. Review status: criteria provided, multiple submitters, no conflicts (2 of 4 stars). 5 submissions from 5 submitters: Uncertain significance (4). 1 of the submissions does not count toward it. Last evaluated 2025-12-15.

Conditions:
Inborn genetic diseases. Identifiers: MedGen C0950123, MeSH D030342.
Fibrochondrogenesis 1 (FBCG1). Identifiers: Orphanet 2021, MedGen C3278138, MONDO:0009226, OMIM 228520.
Marshall syndrome (MRSHS). Identifiers: Orphanet 560, MedGen C0265235, MONDO:0007949, OMIM 154780.

Allele frequency attached by ClinVar (database versions not stated): 1000 Genomes Project 30x 0.00016; 1000 Genomes Project 0.00020.
gnomAD v4.1: 59 of 1,614,024 alleles (0.0037%); highest among the groups gnomAD compares: East Asian, 0.0089%; no homozygotes.

Submissions (5):

Labcorp Genetics (formerly Invitae), Labcorp
Classification: Uncertain significance. Last evaluated: 2025-12-15. Review status: criteria provided, single submitter. Criteria: Invitae Variant Classification Sherloc (09022015). Collection method: clinical testing. Allele origin: germline.
Comment: This sequence change replaces threonine, which is neutral and polar, with methionine, which is neutral and non-polar, at codon 885 of the COL11A1 protein (p.Thr885Met). This variant is present in population databases (rs550201657, gnomAD 0.01%). This variant has not been reported in the literature in individuals affected with COL11A1-related conditions. ClinVar contains an entry for this variant (Variation ID: 1448483). Experimental studies and prediction algorithms are not available or were not evaluated, and the functional significance of this variant is currently unknown. In summary, the available evidence is currently insufficient to determine the role of this variant in disease. Therefore, it has been classified as a Variant of Uncertain Significance.

GeneDx
Classification: Uncertain significance. Last evaluated: 2024-07-29. Review status: criteria provided, single submitter. Criteria: GeneDx Variant Classification Process June 2021. Collection method: clinical testing. Allele origin: germline. Affected: yes.
Comment: Has not been previously published as pathogenic or benign to our knowledge; In silico analysis supports that this missense variant has a deleterious effect on protein structure/function

Ambry Genetics
Classification: Uncertain significance for Inborn genetic diseases. Last evaluated: 2023-06-16. Review status: criteria provided, single submitter. Criteria: Ambry Variant Classification Scheme 2023. Collection method: clinical testing. Allele origin: germline.

Victorian Clinical Genetics Services, Murdoch Childrens Research Institute
Classification: Uncertain significance for Fibrochondrogenesis 1. Last evaluated: 2020-10-19. Review status: criteria provided, single submitter. Criteria: ACMG Guidelines, 2015. Collection method: clinical testing. Allele origin: germline. Affected: yes.
Comment: Based on the classification scheme VCGS_Germline_v1.3.2, this variant is classified as 3A-VUS. Following criteria are met: 0102 - Loss of function is a known mechanism of disease in this gene and is associated with COL11A1-related skeletal dysplasia. (I) 0108 - This gene is associated with both recessive and dominant disease, however inheritance is usually dominant for Stickler and Marshall syndromes (OMIM). (I) 0200 - Variant is predicted to result in a missense amino acid change from threonine to methionine. (I) 0252 - This variant is homozygous. (I) 0304 - Variant is present in gnomAD (v2) <0.01 for a recessive condition (10 heterozygotes, 0 homozygotes). (SP) 0309 - An alternative amino acid change at the same position has been observed in gnomAD (v2) (3 heterozygotes, 0 homozygotes). (I) 0502 - Missense variant with conflicting in silico predictions and uninformative conservation. (I) 0600 - Variant is located in the annotated collagen triple helix repeat region (NCBI, PDB). (I) 0705 - No comparable missense variants have previous evidence for pathogenicity. (I) 0807 - This variant has no previous evidence of pathogenicity. (I) 0905 - No published segregation evidence has been identified for this variant. (I) 1007 - No published functional evidence has been identified for this variant. (I) Legend: (SP) - Supporting pathogenic, (I) - Information, (SB) - Supporting benign

Autoinflammatory diseases unit, CHU de Montpellier
Classification: Likely pathogenic for Marshall syndrome. Last evaluated: 2024-08-21. Review status: no assertion criteria provided. Collection method: clinical testing. Allele origin: maternal. Affected: yes. Not counted in ClinVar's aggregate classification.